The following is an entry in ClinVar:

ClinVar aggregate classification (germline): Uncertain significance (1 of 4 stars; one submission).

Conditions:
Intellectual developmental disorder, autosomal dominant 45. Also called: Intellectual disability, autosomal dominant 45; MENTAL RETARDATION, AUTOSOMAL DOMINANT 45. Identifiers: MedGen C4539848, MONDO:0030910, OMIM 617600.

Allele frequency attached by ClinVar (database versions not stated): gnomAD 0.00001; TOPMed 0.00001.
gnomAD v4.1: 5 of 398,768 alleles (0.0013%); highest among the groups gnomAD compares: Admixed American, 0.0044%; no homozygotes.

Submission:

New York Genome Center
Classification: Uncertain significance for Intellectual developmental disorder, autosomal dominant 45. Last evaluated: 2020-07-03. Review status: criteria provided, single submitter. Criteria: NYGC Assertion Criteria 2020. Collection method: clinical testing. Allele origin: inherited. Observed: 1 heterozygote. Study: CSER-NYCKidSeq.
Comment: The inherited c.968G>A (p.Arg323His) variant identified in the CIC gene substitutes a moderately conserved Arginine for Histidine at amino acid 323/2518 (exon 2/21). This variant is found with low frequency in gnomAD(v3.0) (1heterozygote, 0 homozygotes; allele frequency 6.98e-6) suggesting it is not a common benign variant in the populations represented in that database. This variant is absent from ClinVar and to our current knowledge has not been reported in affected individuals in the literature. The p.Arg323 residue is not within a mapped domain of CIC (UniProtKB:Q96RK0). Given the lack of compelling evidence for its pathogenicity, the inherited c.968G>A (p.Arg323His) variant identified in the CIC gene is reported as a Variant of Uncertain Significance.

NM_001386298.1(CIC):c.968G>A (p.Arg323His)

Gene: CIC (capicua transcriptional repressor; plus strand). Cytogenetic location: 19q13.2.
Variant type: single nucleotide variant.
Coding change: c.968G>A on transcript NM_001386298.1 (MANE Select); coding-DNA position 968, G replaced by A.
Protein change: p.Arg323His; replaces arginine 323 with histidine.
Molecular consequence: missense variant.
Genome position (GRCh38, 1-based): chr19:42,272,751, G>A. VCF-style: chr19-42272751-G-A. GRCh37 (hg19) VCF-style: chr19-42776903-G-A.
Other names: c.968G>A, p.Arg323His (NM_001304815.2, NM_001379480.1, NM_001379482.1); short protein forms R323H.
Identifiers: ClinVar variation 1184303 (VCV001184303.1), dbSNP rs886934809, ClinGen allele CA308614904.
Genomic context (GRCh38, chr19:42,272,751, plus strand): 5'-GCCCCAGCTCCCAGCCAGGCCTACCAGGCAGCCTCCCGCAGCCCCCACAGCCACTGCACC[G>A]TGAGCCAGAGGAGGCTGTGTGGGTGGCCCGCTCCAGCCTACGCCTGCTGCGCCCCCCCTG-3'
Protein context (NP_001373227.1, residues 313-333): SLPQPPQPLH[Arg323His]EPEEAVWVAR